The following is an entry in ClinVar:

NM_001606.5(ABCA2):c.2918G>A (p.Arg973His)

Gene: ABCA2 (ATP binding cassette subfamily A member 2; minus strand). Cytogenetic location: 9q34.3.
Variant type: single nucleotide variant.
Coding change: c.2918G>A on transcript NM_001606.5 (MANE Select); coding-DNA position 2918, G replaced by A.
Protein change: p.Arg973His; replaces arginine 973 with histidine.
Molecular consequence: missense variant.
Genome position (GRCh38, 1-based): chr9:137,016,579, C>T on the plus strand (G>A on the coding strand, the complement: ABCA2 is on the minus strand). VCF-style: chr9-137016579-C-T. GRCh37 (hg19) VCF-style: chr9-139911031-C-T.
Other names: c.2915G>A, p.Arg972His (NM_001411042.1); c.3008G>A, p.Arg1003His (NM_212533.3); short protein forms R1003H, R972H, R973H.
Identifiers: ClinVar variation 3352066 (VCV003352066.2).

ClinVar aggregate classification (germline): Uncertain significance. Review status: criteria provided, single submitter (1 of 4 stars). 2 submissions from 2 submitters: Uncertain significance (1). 1 of the submissions does not count toward it. Last evaluated 2025-02-05.

Conditions:
ABCA2-related disorder. Also called: ABCA2-related condition.

gnomAD v4.1: 136 of 1,612,210 alleles (0.0084%); highest among the groups gnomAD compares: African/African-American, 0.12%; no homozygotes.

Submissions (2):

Ambry Genetics
Classification: Uncertain significance. Last evaluated: 2025-02-05. Review status: criteria provided, single submitter. Criteria: Ambry Variant Classification Scheme 2023. Collection method: clinical testing. Allele origin: germline.

PreventionGenetics, part of Exact Sciences
Classification: Uncertain significance for ABCA2-related condition. Last evaluated: 2024-08-01. Review status: no assertion criteria provided. Collection method: clinical testing. Allele origin: germline. Not counted in ClinVar's aggregate classification.
Comment: The ABCA2 c.3008G>A variant is predicted to result in the amino acid substitution p.Arg1003His. To our knowledge, this variant has not been reported in the literature. This variant is reported in 0.084% of alleles in individuals of African descent in gnomAD. At this time, the clinical significance of this variant is uncertain due to the absence of conclusive functional and genetic evidence.